The following is an entry in ClinVar:

NM_020822.3(KCNT1):c.1338-3C>T

Gene: KCNT1 (potassium sodium-activated channel subfamily T member 1; plus strand). Cytogenetic location: 9q34.3.
Variant type: single nucleotide variant.
Coding change: c.1338-3C>T on transcript NM_020822.3 (MANE Select); 3 bases into the intron before coding-DNA position 1338, C replaced by T.
Molecular consequence: intron variant.
Genome position (GRCh38, 1-based): chr9:135,768,607, C>T. VCF-style: chr9-135768607-C-T. GRCh37 (hg19) VCF-style: chr9-138660453-C-T.
Other names: c.1203-3C>T (NM_001272003.2).
Identifiers: ClinVar variation 389495 (VCV000389495.56), dbSNP rs369562243, ClinGen allele CA5326872.

ClinVar aggregate classification (germline): Benign/Likely benign. Review status: criteria provided, multiple submitters, no conflicts (2 of 4 stars). 6 submissions from 6 submitters: Benign (3); Likely benign (3). Last evaluated 2026-07-01.

Conditions:
Developmental and epileptic encephalopathy, 14 (DEE14). Also called: Early infantile epileptic encephalopathy 14. Identifiers: Orphanet 293181, MedGen C3554195, MONDO:0013989, OMIM 614959.
Autosomal dominant nocturnal frontal lobe epilepsy 5. Also called: Epilepsy, nocturnal frontal lobe, 5; KCNT1-Related Epilepsy; CILIARY DYSKINESIA, PRIMARY, 28, WITHOUT SITUS INVERSUS; CILIARY DYSKINESIA, PRIMARY, 28, WITH SITUS INVERSUS. Identifiers: Orphanet 98784, MedGen C3554306, MONDO:0014002, OMIM 615005.
Inborn genetic diseases. Identifiers: MedGen C0950123, MeSH D030342.

Allele frequency attached by ClinVar (database versions not stated): 1000 Genomes Project 30x 0.00016; 1000 Genomes Project 0.00020; ESP Exome Variant Server 0.00026; gnomAD 0.00030 and 0.00031; gnomAD exomes 0.00034; ExAC 0.00036; TOPMed 0.00036.
gnomAD v4.1: 434 of 1,550,164 alleles (0.028%); highest among the groups gnomAD compares: Admixed American, 0.075%; no homozygotes.

Submissions (6):

CeGaT Center for Human Genetics Tuebingen
Classification: Likely benign. Last evaluated: 2026-07-01. Review status: criteria provided, single submitter. Criteria: CeGaT Center For Human Genetics Tuebingen Variant Classification Criteria Version 2. Collection method: clinical testing. Allele origin: germline. Affected: yes. Observed: 2 variant alleles.
Comment: KCNT1: BP4, BS1

Labcorp Genetics (formerly Invitae), Labcorp
Classification: Benign for Autosomal dominant nocturnal frontal lobe epilepsy 5; Developmental and epileptic encephalopathy, 14. Last evaluated: 2025-12-30. Review status: criteria provided, single submitter. Criteria: Invitae Variant Classification Sherloc (09022015). Collection method: clinical testing. Allele origin: germline.

Blueprint Genetics
Classification: Likely benign. Last evaluated: 2024-07-31. Review status: criteria provided, single submitter. Criteria: ACMG Guidelines, 2015. Collection method: clinical testing. Allele origin: germline.

Ambry Genetics
Classification: Likely benign for Inborn genetic diseases. Last evaluated: 2023-06-22. Review status: criteria provided, single submitter. Criteria: Ambry Variant Classification Scheme 2023. Collection method: clinical testing. Allele origin: germline.

GeneDx
Classification: Benign. Last evaluated: 2020-12-31. Review status: criteria provided, single submitter. Criteria: GeneDx Variant Classification Process June 2021. Collection method: clinical testing. Allele origin: germline. Affected: yes.

Athena Diagnostics
Classification: Benign. Last evaluated: 2017-06-26. Review status: criteria provided, single submitter. Criteria: Athena Diagnostics Criteria. Collection method: clinical testing. Allele origin: germline.